The following is an entry in ClinVar:

NM_004304.5(ALK):c.974C>T (p.Thr325Ile)

Gene: ALK (ALK receptor tyrosine kinase; minus strand). Cytogenetic location: 2p23.2.
Variant type: single nucleotide variant.
Coding change: c.974C>T on transcript NM_004304.5 (MANE Select); coding-DNA position 974, C replaced by T.
Protein change: p.Thr325Ile; replaces threonine 325 with isoleucine.
Molecular consequence: missense variant.
Genome position (GRCh38, 1-based): chr2:29,532,095, G>A on the plus strand (C>T on the coding strand, the complement: ALK is on the minus strand). VCF-style: chr2-29532095-G-A. GRCh37 (hg19) VCF-style: chr2-29754961-G-A.
Other names: short protein forms T325I.
Identifiers: ClinVar variation 3223935 (VCV003223935.1), dbSNP rs2465284585, ClinGen allele CA346587545.

ClinVar aggregate classification (germline): Uncertain significance (1 of 4 stars; one submission).

Conditions:
Hereditary cancer-predisposing syndrome. Also called: Tumor predisposition; Hereditary neoplastic syndrome; Hereditary Cancer Syndrome; Neoplastic Syndromes, Hereditary. Identifiers: Orphanet 140162, MedGen C0027672, MeSH D009386, MONDO:0015356.

Submission:

Ambry Genetics
Classification: Uncertain significance for Hereditary cancer-predisposing syndrome. Last evaluated: 2024-02-03. Review status: criteria provided, single submitter. Criteria: Ambry Variant Classification Scheme 2023. Collection method: clinical testing. Allele origin: germline.
Comment: The p.T325I variant (also known as c.974C>T), located in coding exon 4 of the ALK gene, results from a C to T substitution at nucleotide position 974. The threonine at codon 325 is replaced by isoleucine, an amino acid with similar properties. This amino acid position is conserved. In addition, this alteration is predicted to be tolerated by in silico analysis. Based on the available evidence, the clinical significance of this alteration remains unclear.